The following is an entry in ClinVar:

ClinVar aggregate classification (germline): Benign/Likely benign. Review status: criteria provided, multiple submitters, no conflicts (2 of 4 stars). 7 submissions from 7 submitters: Benign (1); Likely benign (6). Last evaluated 2025-11-26.

Conditions:
Classic or attenuated familial adenomatous polyposis. Identifiers: MedGen CN372698, MONDO:0021057.
Hereditary cancer-predisposing syndrome. Also called: Neoplastic Syndromes, Hereditary; Tumor predisposition; Hereditary Cancer Syndrome; Hereditary neoplastic syndrome. Identifiers: Orphanet 140162, MedGen C0027672, MeSH D009386, MONDO:0015356.
Familial adenomatous polyposis 1 (FAP1). Also called: FAMILIAL ADENOMATOUS POLYPOSIS 1, ATTENUATED; POLYPOSIS, ADENOMATOUS INTESTINAL. Identifiers: MedGen C2713442, MONDO:0021056, OMIM 175100. Disease mechanism: loss of function.

Allele frequency attached by ClinVar (database versions not stated): gnomAD 0.00001; gnomAD exomes 0.00001 and 0.00002; TOPMed 0.00002; ExAC 0.00003.
gnomAD v4.1: 7 of 1,613,950 alleles (0.00043%); highest among the groups gnomAD compares: Non-Finnish European, 0.00059%; no homozygotes.

Submissions (7):

Labcorp Genetics (formerly Invitae), Labcorp
Classification: Likely benign for Familial adenomatous polyposis 1. Last evaluated: 2025-11-26. Review status: criteria provided, single submitter. Criteria: Invitae Variant Classification Sherloc (09022015). Collection method: clinical testing. Allele origin: germline.

Myriad Genetics, Inc.
Classification: Benign for Familial adenomatous polyposis 1. Last evaluated: 2024-04-05. Review status: criteria provided, single submitter. Criteria: Myriad Autosomal Dominant, Autosomal Recessive and X-Linked Classification Criteria (2023). Collection method: clinical testing. Allele origin: unknown.
Comment: This variant is considered benign. This variant is a silent/synonymous amino acid change and it is not expected to impact splicing.

All of Us Research Program, National Institutes of Health
Classification: Likely benign for Classic or attenuated familial adenomatous polyposis. Last evaluated: 2023-10-27. Review status: criteria provided, single submitter. Criteria: ACMG Guidelines, 2015. Collection method: clinical testing. Allele origin: germline. Inheritance: Autosomal dominant inheritance. Observed: 2 variant alleles, 2 heterozygotes.
Comment: This study involves interpretation of variants in research participants for the purpose of population health screening. Participant phenotype was not available at the time of variant classification. Additional details can be found in publication PMID: 35346344, PMCID: PMC8962531

Sema4
Classification: Likely benign for Hereditary cancer-predisposing syndrome. Last evaluated: 2022-03-13. Review status: criteria provided, single submitter. Criteria: Sema4 Curation Guidelines. Collection method: curation. Allele origin: germline.

Color Diagnostics, LLC DBA Color Health
Classification: Likely benign for Hereditary cancer-predisposing syndrome. Last evaluated: 2018-07-17. Review status: criteria provided, single submitter. Criteria: ACMG Guidelines, 2015. Collection method: clinical testing. Allele origin: germline.

GeneDx
Classification: Likely benign. Last evaluated: 2017-07-21. Review status: criteria provided, single submitter. Criteria: GeneDx Variant Classification (06012015). Collection method: clinical testing. Allele origin: germline. Affected: yes.
Comment: This variant is considered likely benign or benign based on one or more of the following criteria: it is a conservative change, it occurs at a poorly conserved position in the protein, it is predicted to be benign by multiple in silico algorithms, and/or has population frequency not consistent with disease.

Ambry Genetics
Classification: Likely benign for Hereditary cancer-predisposing syndrome. Last evaluated: 2014-10-02. Review status: criteria provided, single submitter. Criteria: Ambry Variant Classification Scheme 2023. Collection method: clinical testing. Allele origin: germline.

NM_000038.6(APC):c.6828A>G (p.Pro2276=)

Gene: APC (APC regulator of Wnt signaling pathway; plus strand). Cytogenetic location: 5q22.2.
Variant type: single nucleotide variant.
Coding change: c.6828A>G on transcript NM_000038.6 (MANE Select); coding-DNA position 6828, A replaced by G.
Protein change: p.Pro2276=; no amino-acid change (proline 2276 retained).
Molecular consequence: synonymous variant.
Genome position (GRCh38, 1-based): chr5:112,842,422, A>G. VCF-style: chr5-112842422-A-G. GRCh37 (hg19) VCF-style: chr5-112178119-A-G.
Other names: c.6828A>G, p.Pro2276= (NM_001127510.3, NM_001354895.2); c.6774A>G, p.Pro2258= (NM_001127511.3); c.6882A>G, p.Pro2294= (NM_001354896.2); c.6858A>G, p.Pro2286= (NM_001354897.2); c.6753A>G, p.Pro2251= (NM_001354898.2); c.6744A>G, p.Pro2248= (NM_001354899.2); c.6705A>G, p.Pro2235= (NM_001354900.2); c.6651A>G, p.Pro2217= (NM_001354901.2); and 5 more.
Identifiers: ClinVar variation 186385 (VCV000186385.21), dbSNP rs758388956, ClinGen allele CA012565.